The following is an entry in ClinVar:

NM_000256.3(MYBPC3):c.1797C>A (p.His599Gln)

Gene: MYBPC3 (myosin binding protein C3; minus strand). Cytogenetic location: 11p11.2.
Variant type: single nucleotide variant.
Coding change: c.1797C>A on transcript NM_000256.3 (MANE Select); coding-DNA position 1797, C replaced by A.
Protein change: p.His599Gln; replaces histidine 599 with glutamine.
Molecular consequence: missense variant.
Genome position (GRCh38, 1-based): chr11:47,341,238, G>T on the plus strand (C>A on the coding strand, the complement: MYBPC3 is on the minus strand). VCF-style: chr11-47341238-G-T. GRCh37 (hg19) VCF-style: chr11-47362789-G-T.
Other names: short protein forms H599Q.
Identifiers: ClinVar variation 922636 (VCV000922636.5), dbSNP rs1446676554, ClinGen allele CA380324077.
Genomic context (GRCh38, chr11:47,341,238, plus strand): 5'-CTCGGGCACAAAGCTGTAGTCAGCCTCGTCGGCAGGTGTGACGTCGTCAATGGTCAGTTT[G>T]TGGACCCTGCAGGGGAGCAGTGGCTCAGGGGACCCCACTGGGCCACACACCCCTGGCCTT-3'
Protein context (NP_000247.2, residues 589-609): RIKVSHIGRV[His599Gln]KLTIDDVTPA

ClinVar aggregate classification (germline): Uncertain significance (1 of 4 stars; one submission).

Conditions:
Cardiomyopathy (CMYO). Also called: Cardiomyopathies. Identifiers: Orphanet 167848, MedGen C0878544, MONDO:0004994, HP:0001638. Inheritance: Various modes of inheritance.

Allele frequency attached by ClinVar (database versions not stated): TOPMed below 0.00001; gnomAD 0.00001.
gnomAD v4.1: 1 of 1,584,572 alleles (0.000063%); highest among the groups gnomAD compares: Non-Finnish European, 0.000086%; no homozygotes.

Submission:

Color Diagnostics, LLC DBA Color Health
Classification: Uncertain significance for Cardiomyopathy. Last evaluated: 2023-12-05. Review status: criteria provided, single submitter. Criteria: ACMG Guidelines, 2015. Collection method: clinical testing. Allele origin: germline.
Comment: Variant of Uncertain Significance due to insufficient evidence: This missense variant is located in the Ig-like domain C4 of the MYBPC3 protein. Computational prediction tools and conservation analyses are inconclusive regarding the impact of this variant on the protein function. Computational splicing tools suggest that this variant may not impact RNA splicing. To our knowledge, functional assays have not been performed for this variant nor has this variant been reported in individuals affected with cardiovascular disorders in the literature. This variant is rare in the general population and has been identified in 0/277264 chromosomes by the Genome Aggregation Database (gnomAD). Available evidence is insufficient to determine the pathogenicity of this variant conclusively.